The following is an entry in ClinVar:

ClinVar aggregate classification (germline): Uncertain significance (1 of 4 stars; one submission).

Submission:

GeneDx
Classification: Uncertain significance. Last evaluated: 2024-10-19. Review status: criteria provided, single submitter. Criteria: GeneDx Variant Classification Process June 2021. Collection method: clinical testing. Allele origin: germline. Affected: yes.
Comment: Not observed at significant frequency in large population cohorts (gnomAD); In silico analysis indicates that this missense variant does not alter protein structure/function; Has not been previously published as pathogenic or benign to our knowledge

NM_022489.4(INF2):c.3271C>A (p.Pro1091Thr)

Gene: INF2 (inverted formin 2; plus strand). Cytogenetic location: 14q32.33.
Variant type: single nucleotide variant.
Coding change: c.3271C>A on transcript NM_022489.4 (MANE Select); coding-DNA position 3271, C replaced by A.
Protein change: p.Pro1091Thr; replaces proline 1091 with threonine.
Molecular consequence: missense variant. On other transcripts: non-coding transcript variant (1).
Genome position (GRCh38, 1-based): chr14:104,714,433, C>A. VCF-style: chr14-104714433-C-A. GRCh37 (hg19) VCF-style: chr14-105180770-C-A.
Other names: c.3271C>A, p.Pro1091Thr (NM_001031714.4, NM_001426862.1, NM_001426863.1 and 2 more transcripts); short protein forms P1091T.
Identifiers: ClinVar variation 3893481 (VCV003893481.1).